The following is an entry in ClinVar:

NM_005219.5(DIAPH1):c.1600A>G (p.Lys534Glu)

Gene: DIAPH1 (diaphanous related formin 1; minus strand). Cytogenetic location: 5q31.3.
Variant type: single nucleotide variant.
Coding change: c.1600A>G on transcript NM_005219.5 (MANE Select); coding-DNA position 1600, A replaced by G.
Protein change: p.Lys534Glu; replaces lysine 534 with glutamic acid.
Molecular consequence: missense variant.
Genome position (GRCh38, 1-based): chr5:141,575,008, T>C on the plus strand (A>G on the coding strand, the complement: DIAPH1 is on the minus strand). VCF-style: chr5-141575008-T-C. GRCh37 (hg19) VCF-style: chr5-140954575-T-C.
Other names: c.1573A>G, p.Lys525Glu (NM_001079812.3); c.1600A>G, p.Lys534Glu (NM_001314007.2); short protein forms K525E, K534E.
Identifiers: ClinVar variation 3371520 (VCV003371520.1).

ClinVar aggregate classification (germline): Uncertain significance (1 of 4 stars; one submission).

Submission:

GeneDx
Classification: Uncertain significance. Last evaluated: 2024-03-27. Review status: criteria provided, single submitter. Criteria: GeneDx Variant Classification Process June 2021. Collection method: clinical testing. Allele origin: germline. Affected: yes.
Comment: Not observed at significant frequency in large population cohorts (gnomAD); In silico analysis supports that this missense variant does not alter protein structure/function; Has not been previously published as pathogenic or benign to our knowledge